The following is an entry in ClinVar:

ClinVar aggregate classification (germline): Likely benign. Review status: reviewed by expert panel (3 of 4 stars). 2 submissions from 2 submitters: Likely benign (1). 1 of the submissions does not count toward it. Last evaluated 2026-05-04.

Conditions:
Hereditary thrombocytopenia and hematologic cancer predisposition syndrome. Identifiers: Orphanet 71290, MedGen CN281654, MONDO:0011071.
Hereditary thrombocytopenia and hematological cancer predisposition syndrome associated with RUNX1. Also called: RUNX1 Familial Platelet Disorder with Associated Myeloid Malignancies; Familial Platelet Disorder with Propensity to Acute Myelogenous Leukemia; Familial thrombocytopenia with propensity to acute myelogenous leukemia; PLATELET DISORDER, ASPIRIN-LIKE. Identifiers: Orphanet 71290, MedGen C1832388, MeSH C563324, MONDO:0100083, OMIM 601399.

Allele frequency attached by ClinVar (database versions not stated): TOPMed below 0.00001; gnomAD 0.00001.
gnomAD v4.1: 1 of 1,610,600 alleles (0.000062%); highest among the groups gnomAD compares: East Asian, 0.0022%; no homozygotes.

Submissions (2):

ClinGen Myeloid Malignancy Variant Curation Expert Panel
Classification: Likely benign for Hereditary thrombocytopenia and hematologic cancer predisposition syndrome. Last evaluated: 2026-05-04. Review status: reviewed by expert panel. Criteria: ClinGen MyeloMalig ACMG Specifications V3.1. Collection method: curation. Allele origin: germline. Inheritance: Autosomal dominant inheritance.
Comment: NM_001754.5(RUNX1):c.58+8C>T is an intronic variant which is completely absent from gnomAD v4 with at least 20x coverage for RUNX1 (PM2_supporting). This variant has a SpliceAI score ≤ 0.20 (0.01) (BP4, BP7). In summary, this variant meets criteria to be classified as likely benign. ACMG/AMP criteria applied, as specified by the Myeloid Malignancy Variant Curation Expert Panel for RUNX1: PM2_supporting, BP4, BP7.

Labcorp Genetics (formerly Invitae), Labcorp
Classification: Likely benign for Hereditary thrombocytopenia and hematological cancer predisposition syndrome associated with RUNX1. Last evaluated: 2022-04-13. Review status: criteria provided, single submitter. Criteria: Invitae Variant Classification Sherloc (09022015). Collection method: clinical testing. Allele origin: germline. Not counted in ClinVar's aggregate classification.

NM_001754.5(RUNX1):c.58+8C>T

Gene: RUNX1 (RUNX family transcription factor 1; minus strand). Cytogenetic location: 21q22.12.
Variant type: single nucleotide variant.
Coding change: c.58+8C>T on transcript NM_001754.5 (MANE Select); 8 bases into the intron after coding-DNA position 58, C replaced by T.
Molecular consequence: intron variant.
Genome position (GRCh38, 1-based): chr21:35,048,834, G>A on the plus strand (C>T on the coding strand, the complement: RUNX1 is on the minus strand). VCF-style: chr21-35048834-G-A. GRCh37 (hg19) VCF-style: chr21-36421131-G-A.
Identifiers: ClinVar variation 1948845 (VCV001948845.8), dbSNP rs1321050445, ClinGen allele CA748915368.